The following is an entry in ClinVar:

NM_002025.4(AFF2):c.143T>A (p.Phe48Tyr)

Gene: AFF2 (ALF transcription elongation factor 2; plus strand). Cytogenetic location: Xq28.
Variant type: single nucleotide variant.
Coding change: c.143T>A on transcript NM_002025.4 (MANE Select); coding-DNA position 143, T replaced by A.
Protein change: p.Phe48Tyr; replaces phenylalanine 48 with tyrosine.
Molecular consequence: missense variant.
Genome position (GRCh38, 1-based): chrX:148,652,094, T>A. VCF-style: chrX-148652094-T-A. GRCh37 (hg19) VCF-style: chrX-147733615-T-A.
Other names: c.143T>A, p.Phe48Tyr (NM_001169122.2, NM_001169123.2, NM_001169124.2 and 1 more transcripts); short protein forms F48Y.
Identifiers: ClinVar variation 3731196 (VCV003731196.1).

ClinVar aggregate classification (germline): Uncertain significance (1 of 4 stars; one submission).

Submission:

GeneDx
Classification: Uncertain significance. Last evaluated: 2024-08-16. Review status: criteria provided, single submitter. Criteria: GeneDx Variant Classification Process June 2021. Collection method: clinical testing. Allele origin: germline. Affected: yes.
Comment: Not observed at significant frequency in large population cohorts (gnomAD); In silico analysis indicates that this missense variant does not alter protein structure/function; Has not been previously published as pathogenic or benign to our knowledge